The following is an entry in ClinVar:

NM_020297.4(ABCC9):c.3729G>A (p.Ser1243=)

Genes: ABCC9 (ATP binding cassette subfamily C member 9; minus strand), KCNJ8-AS1 (KCNJ8 antisense RNA 1; plus strand). Cytogenetic location: 12p12.1.
Variant type: single nucleotide variant.
Coding change: c.3729G>A on transcript NM_020297.4 (MANE Select); coding-DNA position 3729, G replaced by A.
Protein change: p.Ser1243=; no amino-acid change (serine 1243 retained).
Molecular consequence: synonymous variant.
Genome position (GRCh38, 1-based): chr12:21,818,192, C>T on the plus strand (G>A on the coding strand, the complement: ABCC9 is on the minus strand). VCF-style: chr12-21818192-C-T. GRCh37 (hg19) VCF-style: chr12-21971126-C-T.
Other names: c.3729G>A, p.Ser1243= (NM_001377273.1, NM_005691.4); c.2862G>A, p.Ser954= (NM_001377274.1).
Identifiers: ClinVar variation 227161 (VCV000227161.23), dbSNP rs140182559, ClinGen allele CA6481039.

ClinVar aggregate classification (germline): Likely benign. Review status: criteria provided, multiple submitters, no conflicts (2 of 4 stars). 8 submissions from 8 submitters: Likely benign (6). 2 of the submissions do not count toward it. Last evaluated 2026-01-18.

Conditions:
Cardiomyopathy (CMYO). Also called: Cardiomyopathies. Identifiers: Orphanet 167848, MedGen C0878544, MONDO:0004994, HP:0001638. Inheritance: Various modes of inheritance.
Cardiovascular phenotype. Identifiers: MedGen CN230736.
Dilated cardiomyopathy 1O (CMD1O). Also called: CARDIOMYOPATHY, DILATED, WITH VENTRICULAR TACHYCARDIA. Identifiers: Orphanet 154, MedGen C1837839, MONDO:0012062, OMIM 608569.

Allele frequency attached by ClinVar (database versions not stated): ESP Exome Variant Server 0.00015; gnomAD 0.00018 and 0.00023; TOPMed 0.00027.
gnomAD v4.1: 83 of 1,613,910 alleles (0.0051%); highest among the groups gnomAD compares: African/African-American, 0.071%; no homozygotes.

Submissions (8):

Labcorp Genetics (formerly Invitae), Labcorp
Classification: Likely benign for Dilated cardiomyopathy 1O. Last evaluated: 2026-01-18. Review status: criteria provided, single submitter. Criteria: Invitae Variant Classification Sherloc (09022015). Collection method: clinical testing. Allele origin: germline.

Blueprint Genetics
Classification: Likely benign. Last evaluated: 2024-10-02. Review status: criteria provided, single submitter. Criteria: ACMG Guidelines, 2015. Collection method: clinical testing. Allele origin: germline.

GeneDx
Classification: Likely benign. Last evaluated: 2020-11-25. Review status: criteria provided, single submitter. Criteria: GeneDx Variant Classification Process June 2021. Collection method: clinical testing. Allele origin: germline. Affected: yes.

Ambry Genetics
Classification: Likely benign for Cardiovascular phenotype. Last evaluated: 2019-05-31. Review status: criteria provided, single submitter. Criteria: Ambry Variant Classification Scheme 2023. Collection method: clinical testing. Allele origin: germline.

CHEO Genetics Diagnostic Laboratory, Children's Hospital of Eastern Ontario
Classification: Likely benign for Cardiomyopathy. Last evaluated: 2016-11-25. Review status: criteria provided, single submitter. Criteria: ACMG Guidelines, 2015. Collection method: clinical testing. Allele origin: germline. Study: Canadian Open Genetics Repository.

Laboratory for Molecular Medicine, Mass General Brigham Personalized Medicine
Classification: Likely benign. Last evaluated: 2015-10-28. Review status: criteria provided, single submitter. Criteria: LMM Criteria. Collection method: clinical testing. Allele origin: germline. Observed: 1 variant allele.
Comment: p.Ser1243Ser in exon 30 of ABCC9: This variant is not expected to have clinical significance because it does not alter an amino acid residue and is not located within the splice consensus sequence. It has been identified in 5/10404 African chromosomes by the Exome Aggregation Consortium (ExAC; dbSNP rs140182559).

Clinical Genetics DNA and cytogenetics Diagnostics Lab, Erasmus MC, Erasmus Medical Center
Classification: Likely benign. Review status: no assertion criteria provided. Collection method: clinical testing. Allele origin: germline. Affected: yes. Study: VKGL Data-share Consensus. Not counted in ClinVar's aggregate classification.

Clinical Genetics, Academic Medical Center
Classification: Benign. Review status: no assertion criteria provided. Collection method: clinical testing. Allele origin: germline. Affected: yes. Study: VKGL Data-share Consensus. Not counted in ClinVar's aggregate classification.